The following is an entry in ClinVar:

ClinVar aggregate classification (germline): Pathogenic/Likely pathogenic. Review status: criteria provided, multiple submitters, no conflicts (2 of 4 stars). 8 submissions from 8 submitters: Pathogenic (6); Likely pathogenic (1). 1 of the submissions does not count toward it. Last evaluated 2024-11-25.

Conditions:
Autoimmune lymphoproliferative syndrome type 4. Also called: AUTOIMMUNE LYMPHOPROLIFERATIVE SYNDROME, TYPE IV; RAS-associated autoimmune leukoproliferative disorder. Identifiers: Orphanet 268114, MedGen C2674723, MONDO:0013767, OMIM 614470.
Noonan syndrome 3 (NS3). Also called: KRAS-Related Noonan Syndrome. Identifiers: Orphanet 648, MedGen C1860991, MONDO:0012371, OMIM 609942.
Cardiofaciocutaneous syndrome 2 (CFC2). Also called: KRAS-Related Cardiofaciocutaneous Syndrome. Identifiers: Orphanet 1340, MedGen C3809005, MONDO:0014112, OMIM 615278.
Acute myeloid leukemia (AML). Also called: Acute myeloid leukemia, adult; AML adult; Acute non-lymphocytic leukemia; Acute granulocytic leukemia; Leukemia, acute myeloid, somatic; Leukemia, acute myelogenous, somatic. Identifiers: Orphanet 519, MedGen C0023467, MeSH D015470, MONDO:0018874, OMIM 601626, HP:0004808. Disease mechanism: Constitutively activated FLT3.
Cardio-facio-cutaneous syndrome. Also called: Cardiofaciocutaneous syndrome; CFC syndrome. Identifiers: Orphanet 1340, MedGen C1275081, MONDO:0015280. Disease mechanism: gain of function.
Noonan syndrome (NS). Also called: Noonan's syndrome. Identifiers: Orphanet 648, MedGen C0028326, MeSH D009634, MONDO:0018997. Disease mechanism: gain of function.
RASopathy. Also called: rasopathies; Noonan spectrum disorder. Identifiers: Orphanet 536391, MedGen C5555857, MONDO:0021060.

Submissions (8):

3billion
Classification: Pathogenic for Noonan syndrome 3. Last evaluated: 2024-11-25. Review status: criteria provided, single submitter. Criteria: ACMG Guidelines, 2015. Collection method: clinical testing. Allele origin: germline. Affected: yes.
Comment: The variant is not observed in the gnomAD v4.1.0 dataset. Predicted Consequence/Location: Missense variant. Missense changes are a common disease-causing mechanism. In silico tool predictions suggest damaging effect of the variant on gene or gene product [REVEL: 0.91 (>=0.6, sensitivity 0.68 and specificity 0.92); 3Cnet: 0.99 (>=0.6, sensitivity 0.72 and precision 0.9)]. The same nucleotide change resulting in the same amino acid change has been previously reported as pathogenic/likely pathogenic with strong evidence (ClinVar ID: VCV000012590 /PMID: 16474405 /3billion dataset). Different missense changes at the same codon (p.Pro34Gln, p.Pro34Leu) have been reported as pathogenic/likely pathogenic with strong evidence (ClinVar ID: VCV000040454, VCV002630513 /PMID: 17056636 /3billion dataset). Therefore, this variant is classified as Pathogenic according to the recommendation of ACMG/AMP guideline.

Revvity Omics, Revvity
Classification: Pathogenic. Last evaluated: 2023-09-26. Review status: criteria provided, single submitter. Criteria: ACMG Guidelines, 2015. Collection method: clinical testing. Allele origin: germline.

GeneDx
Classification: Pathogenic. Last evaluated: 2022-06-14. Review status: criteria provided, single submitter. Criteria: GeneDx Variant Classification Process June 2021. Collection method: clinical testing. Allele origin: germline. Affected: yes.
Comment: Published functional studies demonstrate a damaging effect through constitutive phosphorylation of MEK, ERK, AKT and S6; supporting a gain of function mechanism (Gremer et al., 2011; Schubbert et al., 2007); Not observed at significant frequency in large population cohorts (gnomAD); Missense variants in this gene are often considered pathogenic (HGMD); In silico analysis supports that this missense variant has a deleterious effect on protein structure/function; Truncating variants in this gene are considered pathogenic by a well-established clinical consortium and/or database; This variant is associated with the following publications: (PMID: 28958387, 20949621, 24803665, 31216405, 17875937, 16474405)

Labcorp Genetics (formerly Invitae), Labcorp
Classification: Pathogenic for RASopathy. Last evaluated: 2021-12-22. Review status: criteria provided, single submitter. Criteria: Invitae Variant Classification Sherloc (09022015). Collection method: clinical testing. Allele origin: germline.
Comment: This sequence change replaces proline, which is neutral and non-polar, with arginine, which is basic and polar, at codon 34 of the KRAS protein (p.Pro34Arg). This variant is not present in population databases (gnomAD no frequency). This missense change has been observed in individual(s) with cardio-facio-cutaneous syndrome (PMID: 16474405). In at least one individual the variant was observed to be de novo. ClinVar contains an entry for this variant (Variation ID: 12590). Advanced modeling of protein sequence and biophysical properties (such as structural, functional, and spatial information, amino acid conservation, physicochemical variation, residue mobility, and thermodynamic stability) performed at Invitae indicates that this missense variant is expected to disrupt KRAS protein function. Experimental studies have shown that this missense change affects KRAS function (PMID: 20949621). This variant disrupts the p.Pro34 amino acid residue in KRAS. Other variant(s) that disrupt this residue have been determined to be pathogenic (PMID: 17056636). This suggests that this residue is clinically significant, and that variants that disrupt this residue are likely to be disease-causing. For these reasons, this variant has been classified as Pathogenic.

Baylor Genetics
Classification: Pathogenic for Cardiofaciocutaneous syndrome 2; Acute myeloid leukemia; Noonan syndrome 3; Autoimmune lymphoproliferative syndrome type 4. Last evaluated: 2017-12-31. Review status: criteria provided, single submitter. Criteria: ACMG Guidelines, 2015. Collection method: clinical testing. Allele origin: germline. Affected: yes.

Laboratory for Molecular Medicine, Mass General Brigham Personalized Medicine
Classification: Likely pathogenic for Noonan syndrome; Cardio-facio-cutaneous syndrome. Last evaluated: 2015-08-21. Review status: criteria provided, single submitter. Criteria: LMM Criteria. Collection method: clinical testing. Allele origin: germline. Inheritance: Autosomal dominant inheritance. Observed: 2 variant alleles.
Comment: It was absent from large population studies. In vitro functi onal studies provide evidence that the p.Pro34Arg may impact protein function (S tone 1993, Schubbert 2007, Gremer 2010). However, these types of assays may not accurately represent biological function. In summary, although additional studie s are required to fully establish its clinical significance, the p.Pro34Arg vari ant is likely pathogenic.

Molecular Diagnostics Lab, Nemours Children's Health, Delaware
Classification: Pathogenic. Last evaluated: 2015-07-20. Review status: criteria provided, single submitter. Criteria: ACMG Guidelines, 2015. Collection method: clinical testing. Allele origin: unknown. Affected: yes. Observed: 1 variant allele.

OMIM
Classification: Pathogenic for CARDIOFACIOCUTANEOUS SYNDROME 2. Last evaluated: 2006-03-01. Review status: no assertion criteria provided. Collection method: literature only. Allele origin: germline. Not counted in ClinVar's aggregate classification.

Literature cited by the submitters: PubMed 17056636 (cited by 3billion and Labcorp Genetics (formerly Invitae), Labcorp); PubMed 16474405 (cited by 6 submitters); PubMed 20949621 (cited by 4 submitters); PubMed 24803665 (cited by Baylor Genetics); PubMed 17875937 (cited by Laboratory for Molecular Medicine, Mass General Brigham Personalized Medicine); PubMed 8246952 (cited by Laboratory for Molecular Medicine, Mass General Brigham Personalized Medicine); PubMed 17875939 (cited by Molecular Diagnostics Lab, Nemours Children's Health, Delaware).

NM_004985.5(KRAS):c.101C>G (p.Pro34Arg)

Gene: KRAS (KRas proto-oncogene, GTPase; minus strand). Cytogenetic location: 12p12.1.
Variant type: single nucleotide variant.
Coding change: c.101C>G on transcript NM_004985.5 (MANE Select); coding-DNA position 101, C replaced by G.
Protein change: p.Pro34Arg; replaces proline 34 with arginine.
Molecular consequence: missense variant.
Genome position (GRCh38, 1-based): chr12:25,245,284, G>C on the plus strand (C>G on the coding strand, the complement: KRAS is on the minus strand). VCF-style: chr12-25245284-G-C. GRCh37 (hg19) VCF-style: chr12-25398218-G-C.
Other names: c.101C>G, p.Pro34Arg (NM_001369786.1, NM_001369787.1, NM_033360.4); short protein forms P34R.
Identifiers: ClinVar variation 12590 (VCV000012590.21), dbSNP rs104894366, ClinGen allele CA280040.